The following is an entry in ClinVar:

ClinVar aggregate classification (germline): Uncertain significance (1 of 4 stars; one submission).

Conditions:
Inborn genetic diseases. Identifiers: MedGen C0950123, MeSH D030342.

Submission:

Ambry Genetics
Classification: Uncertain significance for Inborn genetic diseases. Last evaluated: 2025-01-24. Review status: criteria provided, single submitter. Criteria: Ambry Variant Classification Scheme 2023. Collection method: clinical testing. Allele origin: germline.
Comment: The p.E672Q variant (also known as c.2014G>C), located in coding exon 12 of the BMPR2 gene, results from a G to C substitution at nucleotide position 2014. The glutamic acid at codon 672 is replaced by glutamine, an amino acid with highly similar properties. This amino acid position is conserved. In addition, the in silico prediction for this alteration is inconclusive. Based on the available evidence, the clinical significance of this variant remains unclear.

NM_001204.7(BMPR2):c.2014G>C (p.Glu672Gln)

Gene: BMPR2 (bone morphogenetic protein receptor type 2; plus strand). Cytogenetic location: 2q33.2.
Variant type: single nucleotide variant.
Coding change: c.2014G>C on transcript NM_001204.7 (MANE Select); coding-DNA position 2014, G replaced by C.
Protein change: p.Glu672Gln; replaces glutamic acid 672 with glutamine.
Molecular consequence: missense variant.
Genome position (GRCh38, 1-based): chr2:202,555,679, G>C. VCF-style: chr2-202555679-G-C. GRCh37 (hg19) VCF-style: chr2-203420402-G-C.
Other names: short protein forms E672Q.
Identifiers: ClinVar variation 3824860 (VCV003824860.1).